The following is an entry in ClinVar:

ClinVar aggregate classification (germline): Conflicting classifications of pathogenicity. Review status: criteria provided, conflicting classifications (1 of 4 stars). 5 submissions from 5 submitters: Uncertain significance (4); Likely benign (1). Last evaluated 2025-09-19.

Conditions:
Cardiovascular phenotype. Identifiers: MedGen CN230736.
Catecholaminergic polymorphic ventricular tachycardia 5 (CARDAR). Also called: CARDIAC ARRHYTHMIA SYNDROME, WITH OR WITHOUT SKELETAL MUSCLE WEAKNESS; Ventricular tachycardia, catecholaminergic polymorphic, 5, with or without muscle weakness. Identifiers: Orphanet 3286, MedGen C3809536, MONDO:0014191, OMIM 615441.
Catecholaminergic polymorphic ventricular tachycardia 1. Also called: VENTRICULAR TACHYCARDIA, CATECHOLAMINERGIC POLYMORPHIC, 1, WITH OR WITHOUT ATRIAL DYSFUNCTION AND/OR DILATED CARDIOMYOPATHY; RYR2-Related Catecholaminergic Polymorphic Ventricular Tachycardia; VENTRICULAR TACHYCARDIA, STRESS-INDUCED POLYMORPHIC 1. Identifiers: Orphanet 3286, MedGen C1631597, MONDO:0011484, OMIM 604772.

Allele frequency attached by ClinVar (database versions not stated): gnomAD 0.00001; gnomAD exomes 0.00001 and 0.00002; TOPMed 0.00001; ExAC 0.00003.
gnomAD v4.1: 20 of 1,611,388 alleles (0.0012%); highest among the groups gnomAD compares: Non-Finnish European, 0.0016%; no homozygotes.

Submissions (5):

Ambry Genetics
Classification: Likely benign for Cardiovascular phenotype. Last evaluated: 2025-09-19. Review status: criteria provided, single submitter. Criteria: Ambry Variant Classification Scheme 2023. Collection method: clinical testing. Allele origin: germline.

Blueprint Genetics
Classification: Uncertain significance. Last evaluated: 2024-10-26. Review status: criteria provided, single submitter. Criteria: ACMG Guidelines, 2015. Collection method: clinical testing. Allele origin: germline.

Labcorp Genetics (formerly Invitae), Labcorp
Classification: Uncertain significance for Catecholaminergic polymorphic ventricular tachycardia 1. Last evaluated: 2024-08-27. Review status: criteria provided, single submitter. Criteria: Invitae Variant Classification Sherloc (09022015). Collection method: clinical testing. Allele origin: germline.
Comment: This sequence change replaces alanine, which is neutral and non-polar, with valine, which is neutral and non-polar, at codon 6 of the TRDN protein (p.Ala6Val). This variant is present in population databases (rs764897557, gnomAD 0.003%). This variant has not been reported in the literature in individuals affected with TRDN-related conditions. ClinVar contains an entry for this variant (Variation ID: 240284). Experimental studies and prediction algorithms are not available or were not evaluated, and the functional significance of this variant is currently unknown. In summary, the available evidence is currently insufficient to determine the role of this variant in disease. Therefore, it has been classified as a Variant of Uncertain Significance.

Fulgent Genetics
Classification: Uncertain significance for Catecholaminergic polymorphic ventricular tachycardia 1; Catecholaminergic polymorphic ventricular tachycardia 5. Last evaluated: 2021-08-31. Review status: criteria provided, single submitter. Criteria: ACMG Guidelines, 2015. Collection method: clinical testing. Allele origin: unknown.

Laboratory for Molecular Medicine, Mass General Brigham Personalized Medicine
Classification: Uncertain significance. Last evaluated: 2017-05-26. Review status: criteria provided, single submitter. Criteria: LMM Criteria. Collection method: clinical testing. Allele origin: germline. Observed: 1 variant allele.
Comment: Variant classified as Uncertain Significance - Favor Benign. The p.Ala6Val varia nt in TRDN has not been previously reported in individuals with cardiomyopathy, but has been identified in 4/125950 European chromosomes by the Genome Aggregati on Database (dbSNP rs764897557). This variant has been reported in ClinVar (Variation ID: 240284). Alanine (Ala) at position 6 is not well conserved in mammals or evolutionarily distant species, with Cape g olden mole and X. tropicalis carrying a valine (Val), raising the possibility th at a change at this position may be tolerated. Additional computational predicti on tools suggest that this variant may not impact the protein, though this infor mation is not predictive enough to rule out pathogenicity. In summary, while the clinical significance of the p.Ala6Val variant is uncertain, these data suggest that it is more likely to be benign.

NM_006073.4(TRDN):c.17C>T (p.Ala6Val)

Gene: TRDN (triadin; minus strand). Cytogenetic location: 6q22.31.
Variant type: single nucleotide variant.
Coding change: c.17C>T on transcript NM_006073.4 (MANE Select); coding-DNA position 17, C replaced by T.
Protein change: p.Ala6Val; replaces alanine 6 with valine.
Molecular consequence: missense variant.
Genome position (GRCh38, 1-based): chr6:123,636,759, G>A on the plus strand (C>T on the coding strand, the complement: TRDN is on the minus strand). VCF-style: chr6-123636759-G-A. GRCh37 (hg19) VCF-style: chr6-123957904-G-A.
Other names: c.17C>T (NM_006073.2); c.17C>T, p.Ala6Val (NM_001251987.2, NM_001256020.2, NM_001256021.2 and 1 more transcripts); short protein forms A6V.
Identifiers: ClinVar variation 240284 (VCV000240284.15), dbSNP rs764897557, ClinGen allele CA3984523.